The following is an entry in ClinVar:

ClinVar aggregate classification (germline): Uncertain significance. Review status: criteria provided, multiple submitters, no conflicts (2 of 4 stars). 2 submissions from 2 submitters: Uncertain significance (2). Last evaluated 2024-04-04.

Conditions:
Cardiovascular phenotype. Identifiers: MedGen CN230736.
Brugada syndrome 4 (BRGDA4). Identifiers: Orphanet 130, MedGen C2678477, MONDO:0012743, OMIM 611876.

Allele frequency attached by ClinVar (database versions not stated): gnomAD exomes below 0.00001.
gnomAD v4.1: 3 of 1,613,984 alleles (0.00019%); highest among the groups gnomAD compares: South Asian, 0.0011%; no homozygotes.

Submissions (2):

Genomic Medicine Center of Excellence, King Faisal Specialist Hospital and Research Centre
Classification: Uncertain significance for Brugada syndrome 4. Last evaluated: 2024-04-04. Review status: criteria provided, single submitter. Criteria: ACMG Guidelines, 2015. Collection method: clinical testing. Allele origin: germline.

Ambry Genetics
Classification: Uncertain significance for Cardiovascular phenotype. Last evaluated: 2019-09-23. Review status: criteria provided, single submitter. Criteria: Ambry Variant Classification Scheme 2023. Collection method: clinical testing. Allele origin: germline.
Comment: The p.G443V variant (also known as c.1328G>T), located in coding exon 13 of the CACNB2 gene, results from a G to T substitution at nucleotide position 1328. The glycine at codon 443 is replaced by valine, an amino acid with dissimilar properties. This amino acid position is highly conserved in available vertebrate species. In addition, the in silico prediction for this alteration is inconclusive. Since supporting evidence is limited at this time, the clinical significance of this alteration remains unclear.

NM_201596.3(CACNB2):c.1490G>T (p.Gly497Val)

Gene: CACNB2 (calcium voltage-gated channel auxiliary subunit beta 2; plus strand). Cytogenetic location: 10p12.31.
Variant type: single nucleotide variant.
Coding change: c.1490G>T on transcript NM_201596.3 (MANE Select); coding-DNA position 1490, G replaced by T.
Protein change: p.Gly497Val; replaces glycine 497 with valine.
Molecular consequence: missense variant.
Genome position (GRCh38, 1-based): chr10:18,539,231, G>T. VCF-style: chr10-18539231-G-T. GRCh37 (hg19) VCF-style: chr10-18828160-G-T.
Other names: c.1325G>T, p.Gly442Val (NM_000724.4); c.1292G>T, p.Gly431Val (NM_001167945.2); c.1211G>T, p.Gly404Val (NM_001330060.2); c.1232G>T, p.Gly411Val (NM_001410882.1); c.1346G>T, p.Gly449Val (NM_201570.3); c.1406G>T, p.Gly469Val (NM_201571.4); c.1334G>T, p.Gly445Val (NM_201572.4); c.1328G>T, p.Gly443Val (NM_201590.3); and 2 more; short protein forms G449V, G459V, G473V, G497V, G431V, G442V, G445V, G404V.
Identifiers: ClinVar variation 1770059 (VCV001770059.3), dbSNP rs865848155, ClinGen allele CA203167113.